The following is an entry in ClinVar:

ClinVar aggregate classification (germline): Likely pathogenic (1 of 4 stars; one submission).

Conditions:
Lethal multiple pterygium syndrome (LMPS). Identifiers: Orphanet 33108, MedGen C1854678, MONDO:0009668, OMIM 253290.

gnomAD v4.1: 12 of 1,613,682 alleles (0.00074%); highest among the groups gnomAD compares: Non-Finnish European, 0.00093%; no homozygotes.

Submission:

Labcorp Genetics (formerly Invitae), Labcorp
Classification: Likely pathogenic for Lethal multiple pterygium syndrome. Last evaluated: 2024-11-25. Review status: criteria provided, single submitter. Criteria: Invitae Variant Classification Sherloc (09022015). Collection method: clinical testing. Allele origin: germline.
Comment: This sequence change affects a donor splice site in intron 5 of the CHRND gene. It is expected to disrupt RNA splicing. Variants that disrupt the donor or acceptor splice site typically lead to a loss of protein function (PMID: 16199547), and loss-of-function variants in CHRND are known to be pathogenic (PMID: 11435464, 25264167). This variant is present in population databases (rs200883397, gnomAD 0.002%). This variant has not been reported in the literature in individuals affected with CHRND-related conditions. Algorithms developed to predict the effect of sequence changes on RNA splicing suggest that this variant may disrupt the consensus splice site. In summary, the currently available evidence indicates that the variant is pathogenic, but additional data are needed to prove that conclusively. Therefore, this variant has been classified as Likely Pathogenic.

Literature cited by the submitters: PubMed 16199547; PubMed 11435464; PubMed 25264167.

NM_000751.3(CHRND):c.509+1G>A

Gene: CHRND (cholinergic receptor nicotinic delta subunit; plus strand). Cytogenetic location: 2q37.1.
Variant type: single nucleotide variant.
Coding change: c.509+1G>A on transcript NM_000751.3 (MANE Select); the canonical splice donor site of the intron after coding-DNA position 509, G replaced by A.
Molecular consequence: splice donor variant.
Genome position (GRCh38, 1-based): chr2:232,528,657, G>A. VCF-style: chr2-232528657-G-A. GRCh37 (hg19) VCF-style: chr2-233393367-G-A.
Other names: c.238+1G>A (NM_001311195.2); c.206+1G>A (NM_001311196.2); c.464+1G>A (NM_001256657.2).
Identifiers: ClinVar variation 3705965 (VCV003705965.2).